The following is an entry in ClinVar:

NM_001267550.2(TTN):c.107240A>G (p.Asn35747Ser)

Genes: TTN (titin; minus strand), TTN-AS1 (TTN antisense RNA 1; plus strand). Cytogenetic location: 2q31.2.
Variant type: single nucleotide variant.
Coding change: c.107240A>G on transcript NM_001267550.2 (MANE Select); coding-DNA position 107240, A replaced by G.
Protein change: p.Asn35747Ser; replaces asparagine 35747 with serine.
Molecular consequence: missense variant.
Genome position (GRCh38, 1-based): chr2:178,528,411, T>C on the plus strand (A>G on the coding strand, the complement: TTN is on the minus strand). VCF-style: chr2-178528411-T-C. GRCh37 (hg19) VCF-style: chr2-179393138-T-C.
Other names: c.102317A>G, p.Asn34106Ser (NM_001256850.1); c.80045A>G, p.Asn26682Ser (NM_003319.4); c.99536A>G, p.Asn33179Ser (NM_133378.4); c.80420A>G, p.Asn26807Ser (NM_133432.3); c.80621A>G, p.Asn26874Ser (NM_133437.4); short protein forms N26874S, N35747S, N26807S, N33179S, N34106S, N26682S.
Identifiers: ClinVar variation 4977762 (VCV004977762.1).

ClinVar aggregate classification (germline): Uncertain significance (1 of 4 stars; one submission).

Conditions:
TTN-related disorder. Also called: TTN-related condition; TTN-related disease; TTN-related disorders.

gnomAD v4.1: 5 of 1,613,176 alleles (0.00031%); highest among the groups gnomAD compares: African/African-American, 0.0013%; no homozygotes.

Submission:

PreventionGenetics, part of Exact Sciences
Classification: Uncertain significance for TTN-related condition. Last evaluated: 2026-08-13. Review status: criteria provided, single submitter. Criteria: ACMG Guidelines, 2015. Collection method: clinical testing. Allele origin: germline.
Comment: The TTN c.107240A>G variant is predicted to result in the amino acid substitution p.Asn35747Ser. To our knowledge, this variant has not been reported in the literature or in a large population database (gnomAD), indicating this variant is rare. At this time, the clinical significance of this variant is uncertain due to the absence of conclusive functional and genetic evidence.